The following is an entry in ClinVar:

NM_022437.3(ABCG8):c.223T>G (p.Trp75Gly)

Gene: ABCG8 (ATP binding cassette subfamily G member 8; plus strand). Cytogenetic location: 2p21.
Variant type: single nucleotide variant.
Coding change: c.223T>G on transcript NM_022437.3 (MANE Select); coding-DNA position 223, T replaced by G.
Protein change: p.Trp75Gly; replaces tryptophan 75 with glycine.
Molecular consequence: missense variant.
Genome position (GRCh38, 1-based): chr2:43,846,212, T>G. VCF-style: chr2-43846212-T-G. GRCh37 (hg19) VCF-style: chr2-44073351-T-G.
Other names: c.223T>G, p.Trp75Gly (NM_001357321.2); short protein forms W75G.
Identifiers: ClinVar variation 1469715 (VCV001469715.8), dbSNP rs2104912471, ClinGen allele CA346663497.
Genomic context (GRCh38, chr2:43,846,212, plus strand): 5'-CAGGTGGACCTGGCCTCTCAGGTCCCTTGGTTTGAGCAGCTGGCTCAGTTCAAGATGCCC[T>G]GGACATCTCCCAGCTGCCAGAATTCTTGTGAGCTGGGCATCCAGAACCTAAGCTTCAAAG-3'
Protein context (NP_071882.1, residues 65-85): FEQLAQFKMP[Trp75Gly]TSPSCQNSCE

ClinVar aggregate classification (germline): Uncertain significance (1 of 4 stars; one submission).

Submission:

Labcorp Genetics (formerly Invitae), Labcorp
Classification: Uncertain significance. Last evaluated: 2021-06-19. Review status: criteria provided, single submitter. Criteria: Invitae Variant Classification Sherloc (09022015). Collection method: clinical testing. Allele origin: germline.
Comment: In summary, the available evidence is currently insufficient to determine the role of this variant in disease. Therefore, it has been classified as a Variant of Uncertain Significance. Algorithms developed to predict the effect of missense changes on protein structure and function are either unavailable or do not agree on the potential impact of this missense change (SIFT: "Deleterious"; PolyPhen-2: "Benign"; Align-GVGD: "Class C65"). This variant has not been reported in the literature in individuals with ABCG8-related conditions. This variant is not present in population databases (ExAC no frequency). This sequence change replaces tryptophan with glycine at codon 75 of the ABCG8 protein (p.Trp75Gly). The tryptophan residue is highly conserved and there is a large physicochemical difference between tryptophan and glycine.